The following is an entry in ClinVar:

ClinVar aggregate classification (germline): Uncertain significance (1 of 4 stars; one submission).

Conditions:
Progressive sclerosing poliodystrophy (MTDPS4A). Also called: ALPERS PROGRESSIVE INFANTILE POLIODYSTROPHY; NEURONAL DEGENERATION OF CHILDHOOD WITH LIVER DISEASE, PROGRESSIVE; Alpers Syndrome; ALPERS DIFFUSE DEGENERATION OF CEREBRAL GRAY MATTER WITH HEPATIC CIRRHOSIS; Alpers-Huttenlocher Syndrome; Mitochondrial DNA depletion syndrome 4A (Alpers type). Identifiers: Orphanet 726, MedGen C0205710, MONDO:0008758, OMIM 203700.

Submission:

Labcorp Genetics (formerly Invitae), Labcorp
Classification: Uncertain significance for Progressive sclerosing poliodystrophy. Last evaluated: 2023-12-02. Review status: criteria provided, single submitter. Criteria: Invitae Variant Classification Sherloc (09022015). Collection method: clinical testing. Allele origin: germline.
Comment: This sequence change replaces leucine, which is neutral and non-polar, with isoleucine, which is neutral and non-polar, at codon 130 of the POLG protein (p.Leu130Ile). This variant is not present in population databases (gnomAD no frequency). This variant has not been reported in the literature in individuals affected with POLG-related conditions. Advanced modeling of protein sequence and biophysical properties (such as structural, functional, and spatial information, amino acid conservation, physicochemical variation, residue mobility, and thermodynamic stability) has been performed at Invitae for this missense variant, however the output from this modeling did not meet the statistical confidence thresholds required to predict the impact of this variant on POLG protein function. In summary, the available evidence is currently insufficient to determine the role of this variant in disease. Therefore, it has been classified as a Variant of Uncertain Significance.

NM_002693.3(POLG):c.388C>A (p.Leu130Ile)

Genes: POLG (DNA polymerase gamma, catalytic subunit; minus strand), POLGARF (POLG alternative reading frame; minus strand). Cytogenetic location: 15q26.1.
Variant type: single nucleotide variant.
Coding change: c.388C>A on transcript NM_002693.3 (MANE Select); coding-DNA position 388, C replaced by A.
Protein change: p.Leu130Ile; replaces leucine 130 with isoleucine.
Molecular consequence: missense variant.
Genome position (GRCh38, 1-based): chr15:89,333,367, G>T on the plus strand (C>A on the coding strand, the complement: POLG is on the minus strand). VCF-style: chr15-89333367-G-T. GRCh37 (hg19) VCF-style: chr15-89876598-G-T.
Other names: c.388C>A, p.Leu130Ile (NM_001126131.2); short protein forms L130I.
Identifiers: ClinVar variation 2762175 (VCV002762175.1), dbSNP rs201261842, ClinGen allele CA393772116.